The following is an entry in ClinVar:

ClinVar aggregate classification (germline): Likely benign (1 of 4 stars; one submission).

Allele frequency attached by ClinVar (database versions not stated): ESP Exome Variant Server 0.00185; TOPMed 0.00199; gnomAD 0.00239; 1000 Genomes Project 30x 0.00281; 1000 Genomes Project 0.00300; gnomAD exomes 0.00301; ExAC 0.00342.
gnomAD v4.1: 4,772 of 1,613,886 alleles (0.3%); highest among the groups gnomAD compares: South Asian, 0.58%; 19 homozygotes.

Submission:

CeGaT Center for Human Genetics Tuebingen
Classification: Likely benign. Last evaluated: 2023-01-01. Review status: criteria provided, single submitter. Criteria: CeGaT Center For Human Genetics Tuebingen Variant Classification Criteria Version 2. Collection method: clinical testing. Allele origin: germline. Affected: yes. Observed: 2 variant alleles.
Comment: ATP9B: BP4, BP7, BS2

NM_198531.5(ATP9B):c.1476C>T (p.Ala492=)

Gene: ATP9B (ATPase phospholipid transporting 9B; plus strand). Cytogenetic location: 18q23.
Variant type: single nucleotide variant.
Coding change: c.1476C>T on transcript NM_198531.5 (MANE Select); coding-DNA position 1476, C replaced by T.
Protein change: p.Ala492=; no amino-acid change (alanine 492 retained).
Molecular consequence: synonymous variant. On other transcripts: non-coding transcript variant (1).
Genome position (GRCh38, 1-based): chr18:79,303,668, C>T. VCF-style: chr18-79303668-C-T. GRCh37 (hg19) VCF-style: chr18-77063668-C-T.
Other names: c.1476C>T, p.Ala492= (NM_001306085.2).
Identifiers: ClinVar variation 2648822 (VCV002648822.24), dbSNP rs142685265, ClinGen allele CA9007723.